The following is an entry in ClinVar:

ClinVar aggregate classification (germline): Uncertain significance. Review status: criteria provided, multiple submitters, no conflicts (2 of 4 stars). 2 submissions from 2 submitters: Uncertain significance (2). Last evaluated 2023-01-27.

Conditions:
TTN-related disorder. Also called: TTN-related condition; TTN-related disease; TTN-related disorders.

Allele frequency attached by ClinVar (database versions not stated): gnomAD exomes 0.00001; TOPMed 0.00001; ExAC 0.00003.
gnomAD v4.1: 20 of 1,608,480 alleles (0.0012%); highest among the groups gnomAD compares: South Asian, 0.0022%; no homozygotes.

Submissions (2):

PreventionGenetics, part of Exact Sciences
Classification: Uncertain significance for TTN-related condition. Last evaluated: 2023-01-27. Review status: criteria provided, single submitter. Criteria: ACMG Guidelines, 2015. Collection method: clinical testing. Allele origin: germline.
Comment: The TTN c.55672C>T variant is predicted to result in the amino acid substitution p.Arg18558Cys. To our knowledge, this variant has not been reported in the literature. This variant is reported in 0.0056% of alleles in individuals of East Asian descent in gnomAD. At this time, the clinical significance of this variant is uncertain due to the absence of conclusive functional and genetic evidence.

Revvity Omics, Revvity
Classification: Uncertain significance. Last evaluated: 2022-11-09. Review status: criteria provided, single submitter. Criteria: ACMG Guidelines, 2015. Collection method: clinical testing. Allele origin: germline.

NM_001267550.2(TTN):c.55672C>T (p.Arg18558Cys)

Genes: TTN (titin; minus strand), TTN-AS1 (TTN antisense RNA 1; plus strand). Cytogenetic location: 2q31.2.
Variant type: single nucleotide variant.
Coding change: c.55672C>T on transcript NM_001267550.2 (MANE Select); coding-DNA position 55672, C replaced by T.
Protein change: p.Arg18558Cys; replaces arginine 18558 with cysteine.
Molecular consequence: missense variant.
Genome position (GRCh38, 1-based): chr2:178,601,325, G>A on the plus strand (C>T on the coding strand, the complement: TTN is on the minus strand). VCF-style: chr2-178601325-G-A. GRCh37 (hg19) VCF-style: chr2-179466052-G-A.
Other names: c.50749C>T, p.Arg16917Cys (NM_001256850.1); c.28477C>T, p.Arg9493Cys (NM_003319.4); c.47968C>T, p.Arg15990Cys (NM_133378.4); c.28852C>T, p.Arg9618Cys (NM_133432.3); c.29053C>T, p.Arg9685Cys (NM_133437.4); short protein forms R15990C, R16917C, R18558C, R9493C, R9618C, R9685C.
Identifiers: ClinVar variation 2437589 (VCV002437589.4), dbSNP rs774262905, ClinGen allele CA1993413.
Genomic context (GRCh38, chr2:178,601,325, plus strand): 5'-ATATCGGATCTCTGGCAGTGGTCCTCTGAATGGTTTCCACAGGTGGGCCAATACCAAAAC[G>A]GTTTTCTGCTCGCACACGGAAGAAATATTGCTGTTCAGAGAGGAGATCAGGCACTACAAA-3'
Protein context (NP_001254479.2, residues 18548-18568): QYFFRVRAEN[Arg18558Cys]FGIGPPVETI